The following is an entry in ClinVar:

NM_005585.5(SMAD6):c.1419dup (p.Pro474fs)

Gene: SMAD6 (SMAD family member 6; plus strand). Cytogenetic location: 15q22.31.
Variant type: Duplication.
Coding change: c.1419dup on transcript NM_005585.5 (MANE Select); coding-DNA position 1419, one base duplicated (G; older notation c.1419dupG).
Protein change: p.Pro474fs; shifts the reading frame from proline 474.
Molecular consequence: frameshift variant. On other transcripts: non-coding transcript variant (1).
Genome position (GRCh38, 1-based): chr15:66,781,463, G duplicated; the last of 5 consecutive G bases (chr15:66,781,459-66,781,463); duplicating any one gives the same sequence. VCF-style (leftmost placement, unchanged base first): chr15-66781458-T-TG. GRCh37 (hg19) VCF-style: chr15-67073796-T-TG.
Other names: c.1419dupG (NM_005585.5); short protein forms P474fs.
Identifiers: ClinVar variation 976003 (VCV000976003.4), dbSNP rs1894573824, ClinGen allele CA970964108.
Genomic context (GRCh38, chr15:66,781,458, plus strand): 5'-CCCGACGCCGCCGACGGCCCCTACGACCCCAACAGCGTCCGCATCAGCTTCGCCAAGGGC[T>TG]GGGGGCCCTGCTACTCCCGGCAGTTCATCACCTCCTGCCCCTGCTGGCTGGAGATCCTCC-3'

ClinVar aggregate classification (germline): Uncertain significance. Review status: criteria provided, multiple submitters, no conflicts (2 of 4 stars). 2 submissions from 2 submitters: Uncertain significance (2). Last evaluated 2023-12-11.

Conditions:
Craniosynostosis 7 (CRS7). Also called: CRANIOSYNOSTOSIS 7, DIGENIC; CRS7, DIGENIC. Identifiers: MedGen C4479496, MONDO:0044315, OMIM 617439.

Submissions (2):

Women's Health and Genetics/Laboratory Corporation of America, LabCorp
Classification: Uncertain significance. Last evaluated: 2023-12-11. Review status: criteria provided, single submitter. Criteria: LabCorp Variant Classification Summary - May 2015. Collection method: clinical testing. Allele origin: germline.
Comment: Variant summary: SMAD6 c.1419dupG (p.Pro474AlafsX91) causes a frameshift which results in an extension of the protein. The frequency data for this variant in gnomAD is considered unreliable, as metrics indicate poor data quality at this position. To our knowledge, no occurrence of c.1419dupG in individuals affected with Aortic Valve Disease and no experimental evidence demonstrating its impact on protein function have been reported. One submitter has cited clinical-significance assessments for this variant to ClinVar after 2014 and has classified the variant as uncertain significance. Based on the evidence outlined above, the variant was classified as uncertain significance.

Institute of Human Genetics, University of Leipzig Medical Center
Classification: Uncertain significance for Craniosynostosis 7. Last evaluated: 2020-01-14. Review status: criteria provided, single submitter. Criteria: ACMG Guidelines, 2015. Collection method: clinical testing. Allele origin: paternal. Affected: yes.